The following is an entry in ClinVar:

NM_007294.4(BRCA1):c.5017C>A (p.His1673Asn)

Gene: BRCA1 (BRCA1 DNA repair associated; minus strand). Cytogenetic location: 17q21.31.
Variant type: single nucleotide variant.
Coding change: c.5017C>A on transcript NM_007294.4 (MANE Select); coding-DNA position 5017, C replaced by A.
Protein change: p.His1673Asn; replaces histidine 1673 with asparagine.
Molecular consequence: missense variant. On other transcripts: non-coding transcript variant (1).
Genome position (GRCh38, 1-based): chr17:43,067,665, G>T on the plus strand (C>A on the coding strand, the complement: BRCA1 is on the minus strand). VCF-style: chr17-43067665-G-T. GRCh37 (hg19) VCF-style: chr17-41219682-G-T.
Other names: c.1204C>A, p.His402Asn (NM_001408512.1); c.1177C>A, p.His393Asn (NM_001408513.1); c.4876C>A, p.His1626Asn (NM_007297.4, NM_001407726.1, NM_001407727.1 and 13 more transcripts); c.1705C>A, p.His569Asn (NM_007298.4, NM_007299.4, NM_007304.2 and 13 more transcripts); c.5080C>A, p.His1694Asn (NM_007300.4, NM_001407583.1, NM_001407585.1 and 1 more transcripts); c.4804C>A, p.His1602Asn (NM_001407571.1, NM_001407894.1, NM_001407895.1 and 12 more transcripts); c.5083C>A, p.His1695Asn (NM_001407581.1, NM_001407582.1); c.5077C>A, p.His1693Asn (NM_001407590.1, NM_001407591.1); and 70 more; short protein forms H1694N, H1673N, H569N, H1626N, H1561N, H1583N, H1604N, H1632N.
Identifiers: ClinVar variation 868931 (VCV000868931.3), dbSNP rs758539222, ClinGen allele CA10591483.

Conditions:
Breast-ovarian cancer, familial, susceptibility to, 1 (BROVCA1). Also called: BRCA1 Hereditary Breast and Ovarian Cancer; OVARIAN CANCER, SUSCEPTIBILITY TO. Identifiers: Orphanet 145, MedGen C2676676, MONDO:0011450, OMIM 604370. Disease mechanism: loss of function.

Submission:

Brotman Baty Institute, University of Washington
No classification provided (evidence only). Condition: Breast-ovarian cancer, familial 1. Review status: no classification provided. Collection method: in vitro. Allele origin: not applicable. Functional consequence: functionally_normal.
ClinVar note: "not provided" was previously submitted as the classification for the variant. However, the classification appeared to be based only on an observation of functional data so it was converted to no classification on 2025-07-30.